The following is an entry in ClinVar:

NM_000435.3(NOTCH3):c.3981C>T (p.Phe1327=)

Gene: NOTCH3 (notch receptor 3; minus strand). Cytogenetic location: 19p13.12.
Variant type: single nucleotide variant.
Coding change: c.3981C>T on transcript NM_000435.3 (MANE Select); coding-DNA position 3981, C replaced by T.
Protein change: p.Phe1327=; no amino-acid change (phenylalanine 1327 retained).
Molecular consequence: synonymous variant.
Genome position (GRCh38, 1-based): chr19:15,177,947, G>A on the plus strand (C>T on the coding strand, the complement: NOTCH3 is on the minus strand). VCF-style: chr19-15177947-G-A. GRCh37 (hg19) VCF-style: chr19-15288758-G-A.
Identifiers: ClinVar variation 3571628 (VCV003571628.1).

ClinVar aggregate classification (germline): Uncertain significance (1 of 4 stars; one submission).

gnomAD v4.1: 10 of 1,310,596 alleles (0.00076%); highest among the groups gnomAD compares: East Asian, 0.013%; no homozygotes.

Submission:

Athena Diagnostics
Classification: Uncertain significance. Last evaluated: 2023-12-15. Review status: criteria provided, single submitter. Criteria: Athena Diagnostics Criteria. Collection method: clinical testing. Allele origin: unknown.
Comment: Available data are insufficient to determine the clinical significance of the variant at this time. This variant has not been reported in large, multi-ethnic general populations. Computational tools yielded predictions that this variant is unlikely to have an effect on normal RNA splicing. Greater than 90% of NOTCH3 pathogenic variants associated with CADASIL involve the gain or loss of a cysteine residue within the epidermal growth factor (EGF)-like repeat domain (PMID: 32457593, 20301673).